The following is an entry in ClinVar:

NM_001258392.3(CLPB):c.760_761inv (p.Glu254Ser)

Gene: CLPB (ClpB family mitochondrial disaggregase; minus strand). Cytogenetic location: 11q13.4.
Variant type: Inversion.
Coding change: c.760_761inv on transcript NM_001258392.3 (MANE Select).
Protein change: p.Glu254Ser; replaces glutamic acid 254 with serine.
Molecular consequence: missense variant.
Genome position: GRCh38 VCF-style: chr11-72358894-TC-GA. GRCh37 (hg19) VCF-style: chr11-72069938-TC-GA.
Other names: c.673_674inv, p.Glu225Ser (NM_001258393.3); c.715_716inv, p.Glu239Ser (NM_001258394.3); c.850_851inv, p.Glu284Ser (NM_030813.6); short protein forms E239S, E254S, E225S, E284S.
Identifiers: ClinVar variation 2065879 (VCV002065879.4), ClinGen allele CA2580084856.

ClinVar aggregate classification (germline): Uncertain significance (1 of 4 stars; one submission).

Conditions:
3-methylglutaconic aciduria, type VIIB (MGCA7B). Also called: CLPB Deficiency; 3-methylglutaconic aciduria, type VII, with cataracts, neurologic involvement and neutropenia; 3-methylglutaconic aciduria with cataracts, neurologic involvement and neutropenia. Identifiers: Orphanet 445038, MedGen C5676893, MONDO:0014561, OMIM 616271.

Submission:

Labcorp Genetics (formerly Invitae), Labcorp
Classification: Uncertain significance for 3-methylglutaconic aciduria, type VIIB. Last evaluated: 2026-01-26. Review status: criteria provided, single submitter. Criteria: Invitae Variant Classification Sherloc (09022015). Collection method: clinical testing. Allele origin: germline.
Comment: This sequence change replaces glutamic acid, which is acidic and polar, with serine, which is neutral and polar, at codon 284 of the CLPB protein (p.Glu284Ser). This variant is present in population databases (no rsID available, gnomAD 0.006%). This variant has not been reported in the literature in individuals affected with CLPB-related conditions. ClinVar contains an entry for this variant (Variation ID: 2065879). An algorithm developed to predict the effect of missense changes on protein structure and function (PolyPhen-2) suggests that this variant is likely to be tolerated. In summary, the available evidence is currently insufficient to determine the role of this variant in disease. Therefore, it has been classified as a Variant of Uncertain Significance.